The following is an entry in ClinVar:

NM_080605.4(B3GALT6):c.425G>A (p.Trp142Ter)

Gene: B3GALT6 (beta-1,3-galactosyltransferase 6; plus strand). Cytogenetic location: 1p36.33.
Variant type: single nucleotide variant.
Coding change: c.425G>A on transcript NM_080605.4 (MANE Select); coding-DNA position 425, G replaced by A.
Protein change: p.Trp142Ter; replaces tryptophan 142 with a stop codon.
Molecular consequence: nonsense.
Genome position (GRCh38, 1-based): chr1:1,232,703, G>A. VCF-style: chr1-1232703-G-A. GRCh37 (hg19) VCF-style: chr1-1168083-G-A.
Other names: short protein forms W142*.
Identifiers: ClinVar variation 3361286 (VCV003361286.1).
Genomic context (GRCh38, chr1:1,232,703, plus strand): 5'-TGCCCGCGCTGCGCGACGCCTACGAAAACCTCACGGCCAAGGTGCTGGCCATGCTGGCCT[G>A]GCTGGACGAGCACGTGGCCTTCGAGTTCGTGCTCAAGGCGGACGACGACTCCTTCGCGCG-3'

ClinVar aggregate classification (germline): Likely pathogenic (1 of 4 stars; one submission).

Submission:

GeneDx
Classification: Likely pathogenic. Last evaluated: 2023-07-19. Review status: criteria provided, single submitter. Criteria: GeneDx Variant Classification Process June 2021. Collection method: clinical testing. Allele origin: germline. Affected: yes.
Comment: Nonsense variant predicted to result in protein truncation, as the last 188 amino acids are lost, and other loss-of-function variants have been reported downstream in HGMD; Not observed at significant frequency in large population cohorts (gnomAD); Has not been previously published as pathogenic or benign to our knowledge